The following is an entry in ClinVar:

ClinVar aggregate classification (germline): Uncertain significance (1 of 4 stars; one submission).

Allele frequency attached by ClinVar (database versions not stated): gnomAD exomes 0.00001.
gnomAD v4.1: 15 of 1,455,630 alleles (0.001%); highest among the groups gnomAD compares: Non-Finnish European, 0.0013%; no homozygotes.

Submission:

Labcorp Genetics (formerly Invitae), Labcorp
Classification: Uncertain significance. Last evaluated: 2022-08-03. Review status: criteria provided, single submitter. Criteria: Invitae Variant Classification Sherloc (09022015). Collection method: clinical testing. Allele origin: germline.
Comment: In summary, the available evidence is currently insufficient to determine the role of this variant in disease. Therefore, it has been classified as a Variant of Uncertain Significance. Advanced modeling of protein sequence and biophysical properties (such as structural, functional, and spatial information, amino acid conservation, physicochemical variation, residue mobility, and thermodynamic stability) performed at Invitae indicates that this missense variant is not expected to disrupt NOTCH3 protein function. This variant has not been reported in the literature in individuals affected with NOTCH3-related conditions. This variant is not present in population databases (gnomAD no frequency). This sequence change replaces proline, which is neutral and non-polar, with leucine, which is neutral and non-polar, at codon 1311 of the NOTCH3 protein (p.Pro1311Leu).

NM_000435.3(NOTCH3):c.3932C>T (p.Pro1311Leu)

Gene: NOTCH3 (notch receptor 3; minus strand). Cytogenetic location: 19p13.12.
Variant type: single nucleotide variant.
Coding change: c.3932C>T on transcript NM_000435.3 (MANE Select); coding-DNA position 3932, C replaced by T.
Protein change: p.Pro1311Leu; replaces proline 1311 with leucine.
Molecular consequence: missense variant.
Genome position (GRCh38, 1-based): chr19:15,177,996, G>A on the plus strand (C>T on the coding strand, the complement: NOTCH3 is on the minus strand). VCF-style: chr19-15177996-G-A. GRCh37 (hg19) VCF-style: chr19-15288807-G-A.
Other names: short protein forms P1311L.
Identifiers: ClinVar variation 1960517 (VCV001960517.5), dbSNP rs1332840784, ClinGen allele CA404506139.